The following is an entry in ClinVar:

ClinVar aggregate classification (germline): Uncertain significance. Review status: criteria provided, multiple submitters, no conflicts (2 of 4 stars). 2 submissions from 2 submitters: Uncertain significance (2). Last evaluated 2023-04-27.

Allele frequency attached by ClinVar (database versions not stated): gnomAD 0.00001.
gnomAD v4.1: 1 of 1,600,610 alleles (0.000062%); highest among the groups gnomAD compares: African/African-American, 0.0013%; no homozygotes.

Submissions (2):

Women's Health and Genetics/Laboratory Corporation of America, LabCorp
Classification: Uncertain significance. Last evaluated: 2023-04-27. Review status: criteria provided, single submitter. Criteria: LabCorp Variant Classification Summary - May 2015. Collection method: clinical testing. Allele origin: germline.
Comment: Variant summary: SPTBN2 c.5190+6T>C alters a conserved nucleotide located close to a canonical splice site and therefore could affect mRNA splicing, leading to a significantly altered protein sequence. Several computational tools predict a significant impact on normal splicing: Two predict the variant abolishes a canonical 5' splicing donor site and two predict the variant weakens the site. However, these predictions have yet to be confirmed by functional studies. The variant was absent in 241420 control chromosomes (gnomAD). The available data on variant occurrences in the general population are insufficient to allow any conclusion about variant significance. To our knowledge, no occurrence of c.5190+6T>C in individuals affected with Spinocerebellar Ataxia 5 and no experimental evidence demonstrating its impact on protein function have been reported. No submitters have provided clinical-significance assessments for this variant to ClinVar after 2014. Based on the evidence outlined above, the variant was classified as uncertain significance.

Athena Diagnostics
Classification: Uncertain significance. Last evaluated: 2023-03-10. Review status: criteria provided, single submitter. Criteria: Athena Diagnostics Criteria. Collection method: clinical testing. Allele origin: unknown.
Comment: Available data are insufficient to determine the clinical significance of the variant at this time. The frequency of this variant in the general population is uninformative in assessment of its pathogenicity. Computational tools yielded predictions that this variant may interfere with normal RNA splicing.

NM_006946.4(SPTBN2):c.5190+6T>C

Gene: SPTBN2 (spectrin beta, non-erythrocytic 2; minus strand). Cytogenetic location: 11q13.2.
Variant type: single nucleotide variant.
Coding change: c.5190+6T>C on transcript NM_006946.4 (MANE Select); 6 bases into the intron after coding-DNA position 5190, T replaced by C.
Molecular consequence: intron variant.
Genome position (GRCh38, 1-based): chr11:66,692,530, A>G on the plus strand (T>C on the coding strand, the complement: SPTBN2 is on the minus strand). VCF-style: chr11-66692530-A-G. GRCh37 (hg19) VCF-style: chr11-66460001-A-G.
Other names: c.5211+6T>C (NM_001411025.1); c.5190+6T>C (NM_006946.2).
Identifiers: ClinVar variation 2504035 (VCV002504035.2), dbSNP rs898045026, ClinGen allele CA224079104.